The following is an entry in ClinVar:

ClinVar aggregate classification (germline): Uncertain significance. Review status: criteria provided, multiple submitters, no conflicts (2 of 4 stars). 2 submissions from 2 submitters: Uncertain significance (2). Last evaluated 2025-06-24.

Conditions:
Arrhythmogenic right ventricular dysplasia 13. Also called: Arrhythmogenic right ventricular dysplasia, familial, 13; ARRHYTHMOGENIC RIGHT VENTRICULAR CARDIOMYOPATHY 13. Identifiers: MedGen C3810138, MONDO:0000908, OMIM 615616.

gnomAD v4.1: 2 of 1,614,128 alleles (0.00012%); highest among the groups gnomAD compares: Non-Finnish European, 0.00017%; no homozygotes.

Submissions (2):

Labcorp Genetics (formerly Invitae), Labcorp
Classification: Uncertain significance for Arrhythmogenic right ventricular dysplasia 13. Last evaluated: 2025-06-24. Review status: criteria provided, single submitter. Criteria: Invitae Variant Classification Sherloc (09022015). Collection method: clinical testing. Allele origin: germline.
Comment: This sequence change replaces histidine, which is basic and polar, with arginine, which is basic and polar, at codon 843 of the CTNNA3 protein (p.His843Arg). This variant is not present in population databases (gnomAD no frequency). This variant has not been reported in the literature in individuals affected with CTNNA3-related conditions. ClinVar contains an entry for this variant (Variation ID: 409022). Invitae Evidence Modeling of protein sequence and biophysical properties (such as structural, functional, and spatial information, amino acid conservation, physicochemical variation, residue mobility, and thermodynamic stability) indicates that this missense variant is not expected to disrupt CTNNA3 protein function with a negative predictive value of 80%. In summary, the available evidence is currently insufficient to determine the role of this variant in disease. Therefore, it has been classified as a Variant of Uncertain Significance.

Ambry Genetics
Classification: Uncertain significance. Last evaluated: 2025-05-24. Review status: criteria provided, single submitter. Criteria: Ambry Variant Classification Scheme 2023. Collection method: clinical testing. Allele origin: germline.
Comment: The p.H843R variant (also known as c.2528A>G), located in coding exon 17 of the CTNNA3 gene, results from an A to G substitution at nucleotide position 2528. The histidine at codon 843 is replaced by arginine, an amino acid with highly similar properties. This amino acid position is conserved. In addition, this alteration is predicted to be tolerated by in silico analysis. Based on the available evidence, the clinical significance of this variant remains unclear.

NM_013266.4(CTNNA3):c.2528A>G (p.His843Arg)

Gene: CTNNA3 (catenin alpha 3; minus strand). Cytogenetic location: 10q21.3.
Variant type: single nucleotide variant.
Coding change: c.2528A>G on transcript NM_013266.4 (MANE Select); coding-DNA position 2528, A replaced by G.
Protein change: p.His843Arg; replaces histidine 843 with arginine.
Molecular consequence: missense variant.
Genome position (GRCh38, 1-based): chr10:65,920,490, T>C on the plus strand (A>G on the coding strand, the complement: CTNNA3 is on the minus strand). VCF-style: chr10-65920490-T-C. GRCh37 (hg19) VCF-style: chr10-67680248-T-C.
Other names: c.2528A>G, p.His843Arg (NM_001127384.3); c.2528A>G (NM_013266.2); short protein forms H843R.
Identifiers: ClinVar variation 409022 (VCV000409022.9), dbSNP rs540211204, ClinGen allele CA16612923.